The following is an entry in ClinVar:

NM_006248.4(PRB2):c.819A>G (p.Lys273=)

Gene: PRB2 (proline rich protein BstNI subfamily 2). Cytogenetic location: 12p13.2.
Variant type: single nucleotide variant.
Coding change: c.819A>G on transcript NM_006248.4 (MANE Select); coding-DNA position 819, A replaced by G.
Protein change: p.Lys273=; no amino-acid change (lysine 273 retained).
Molecular consequence: synonymous variant.
Genome position (GRCh38, 1-based): chr12:11,393,259, T>C on the plus strand (A>G on the coding strand, the complement: PRB2 is on the minus strand). VCF-style: chr12-11393259-T-C. GRCh37 (hg19) VCF-style: chr12-11546193-T-C.
Identifiers: ClinVar variation 2672491 (VCV002672491.23), dbSNP rs751453470, ClinGen allele CA6453469.

ClinVar aggregate classification (germline): Likely benign (1 of 4 stars; one submission).

Allele frequency attached by ClinVar (database versions not stated): ExAC 0.00002; gnomAD 0.00057.

Submission:

CeGaT Center for Human Genetics Tuebingen
Classification: Likely benign. Last evaluated: 2023-11-01. Review status: criteria provided, single submitter. Criteria: CeGaT Center For Human Genetics Tuebingen Variant Classification Criteria Version 2. Collection method: clinical testing. Allele origin: germline. Affected: yes. Observed: 1 variant allele.
Comment: PRB2: BP4, BP7